The following is an entry in ClinVar:

NM_001204.7(BMPR2):c.2998G>A (p.Val1000Ile)

Gene: BMPR2 (bone morphogenetic protein receptor type 2; plus strand). Cytogenetic location: 2q33.2.
Variant type: single nucleotide variant.
Coding change: c.2998G>A on transcript NM_001204.7 (MANE Select); coding-DNA position 2998, G replaced by A.
Protein change: p.Val1000Ile; replaces valine 1000 with isoleucine.
Molecular consequence: missense variant.
Genome position (GRCh38, 1-based): chr2:202,559,827, G>A. VCF-style: chr2-202559827-G-A. GRCh37 (hg19) VCF-style: chr2-203424550-G-A.
Other names: short protein forms V1000I.
Identifiers: ClinVar variation 3481300 (VCV003481300.2).

ClinVar aggregate classification (germline): Uncertain significance. Review status: criteria provided, multiple submitters, no conflicts (2 of 4 stars). 2 submissions from 2 submitters: Uncertain significance (2). Last evaluated 2024-11-25.

Conditions:
Inborn genetic diseases. Identifiers: MedGen C0950123, MeSH D030342.
Pulmonary hypertension, primary, 1 (PPH1). Also called: Pulmonary hypertension, familial primary, 1, with or without HHT. Identifiers: Orphanet 422, MedGen C4552070, MONDO:0024533, OMIM 178600.
Pulmonary venoocclusive disease 1 (PVOD1). Also called: Pulmonary venoocclusive disease 1, autosomal dominant. Identifiers: Orphanet 31837, MedGen C3887658, MONDO:0020713, OMIM 265450.

gnomAD v4.1: 1 of 1,614,126 alleles (0.000062%); highest among the groups gnomAD compares: Non-Finnish European, 0.000085%; no homozygotes.

Submissions (2):

Ambry Genetics
Classification: Uncertain significance for Inborn genetic diseases. Last evaluated: 2024-11-25. Review status: criteria provided, single submitter. Criteria: Ambry Variant Classification Scheme 2023. Collection method: clinical testing. Allele origin: germline.
Comment: The p.V1000I variant (also known as c.2998G>A), located in coding exon 13 of the BMPR2 gene, results from a G to A substitution at nucleotide position 2998. The valine at codon 1000 is replaced by isoleucine, an amino acid with highly similar properties. This amino acid position is conserved. In addition, the in silico prediction for this alteration is inconclusive. Based on the available evidence, the clinical significance of this variant remains unclear.

Fulgent Genetics
Classification: Uncertain significance for Pulmonary hypertension, primary, 1; Pulmonary venoocclusive disease 1. Last evaluated: 2024-01-01. Review status: criteria provided, single submitter. Criteria: ACMG Guidelines, 2015. Collection method: clinical testing. Allele origin: germline.